The following is an entry in ClinVar:

ClinVar aggregate classification (germline): Pathogenic (1 of 4 stars; one submission).

Conditions:
Primary ciliary dyskinesia. Also called: Ciliary dyskinesia. Identifiers: Orphanet 244, MedGen C0008780, MONDO:0016575, HP:0012265.

Submission:

Labcorp Genetics (formerly Invitae), Labcorp
Classification: Pathogenic for Primary ciliary dyskinesia. Last evaluated: 2020-10-06. Review status: criteria provided, single submitter. Criteria: Invitae Variant Classification Sherloc (09022015). Collection method: clinical testing. Allele origin: germline.
Comment: This sequence change creates a premature translational stop signal (p.Gln182*) in the DNAI1 gene. It is expected to result in an absent or disrupted protein product. This variant is not present in population databases (ExAC no frequency). This variant has not been reported in the literature in individuals with DNAI1-related conditions. ClinVar contains an entry for this variant (Variation ID: 959225). Loss-of-function variants in DNAI1 are known to be pathogenic (PMID: 16858015, 29363216). For these reasons, this variant has been classified as Pathogenic.

Literature cited by the submitters: PubMed 16858015; PubMed 29363216.

NM_012144.4(DNAI1):c.544C>T (p.Gln182Ter)

Gene: DNAI1 (dynein axonemal intermediate chain 1; plus strand). Cytogenetic location: 9p13.3.
Variant type: single nucleotide variant.
Coding change: c.544C>T on transcript NM_012144.4 (MANE Select); coding-DNA position 544, C replaced by T.
Protein change: p.Gln182Ter; replaces glutamine 182 with a stop codon.
Molecular consequence: nonsense.
Genome position (GRCh38, 1-based): chr9:34,490,411, C>T. VCF-style: chr9-34490411-C-T. GRCh37 (hg19) VCF-style: chr9-34490409-C-T.
Other names: c.556C>T, p.Gln186Ter (NM_001281428.2); short protein forms Q182*, Q186*.
Identifiers: ClinVar variation 959225 (VCV000959225.8), dbSNP rs1824564325, ClinGen allele CA373246784.